The following is an entry in ClinVar:

NM_015404.4(WHRN):c.1514C>T (p.Ala505Val)

Gene: WHRN (whirlin; minus strand). Cytogenetic location: 9q32.
Variant type: single nucleotide variant.
Coding change: c.1514C>T on transcript NM_015404.4 (MANE Select); coding-DNA position 1514, C replaced by T.
Protein change: p.Ala505Val; replaces alanine 505 with valine.
Molecular consequence: missense variant.
Genome position (GRCh38, 1-based): chr9:114,423,426, G>A on the plus strand (C>T on the coding strand, the complement: WHRN is on the minus strand). VCF-style: chr9-114423426-G-A. GRCh37 (hg19) VCF-style: chr9-117185706-G-A.
Other names: c.365C>T, p.Ala122Val (NM_001083885.3); c.1514C>T, p.Ala505Val (NM_001173425.2); c.461C>T, p.Ala154Val (NM_001346890.1); short protein forms A122V, A505V, A154V.
Identifiers: ClinVar variation 1355174 (VCV001355174.6), dbSNP rs774765831, ClinGen allele CA5205925.
Genomic context (GRCh38, chr9:114,423,426, plus strand): 5'-GTGTCACTGTAGGAGACCATGGAGTAGGTGTCCCCAGCCCCGGGGCCTGGGGGCTGCCGC[G>A]CCTTCATGGACTCAATCTCACGCCTCAGCACCAGGTGGTCGAAGCGTTCTAGGTCTTGCG-3'
Protein context (NP_056219.3, residues 495-515): VLRREIESMK[Ala505Val]RQPPGPGAGD

ClinVar aggregate classification (germline): Uncertain significance (1 of 4 stars; one submission).

Allele frequency attached by ClinVar (database versions not stated): gnomAD exomes 0.00001 and 0.00002; ExAC 0.00002; gnomAD 0.00002.
gnomAD v4.1: 19 of 1,613,984 alleles (0.0012%); highest among the groups gnomAD compares: Middle Eastern, 0.016%; no homozygotes.

Submission:

Labcorp Genetics (formerly Invitae), Labcorp
Classification: Uncertain significance. Last evaluated: 2022-05-18. Review status: criteria provided, single submitter. Criteria: Invitae Variant Classification Sherloc (09022015). Collection method: clinical testing. Allele origin: germline.
Comment: This sequence change replaces alanine, which is neutral and non-polar, with valine, which is neutral and non-polar, at codon 505 of the WHRN protein (p.Ala505Val). This variant is present in population databases (rs774765831, gnomAD 0.009%). This variant has not been reported in the literature in individuals affected with WHRN-related conditions. Algorithms developed to predict the effect of missense changes on protein structure and function are either unavailable or do not agree on the potential impact of this missense change (SIFT: "Deleterious"; PolyPhen-2: "Possibly Damaging"; Align-GVGD: "Class C0"). Algorithms developed to predict the effect of sequence changes on RNA splicing suggest that this variant may create or strengthen a splice site. In summary, the available evidence is currently insufficient to determine the role of this variant in disease. Therefore, it has been classified as a Variant of Uncertain Significance.